The following is an entry in ClinVar:

NM_001374385.1(ATP8B1):c.2999T>C (p.Met1000Thr)

Genes: ATP8B1 (ATPase phospholipid transporting 8B1; minus strand), ATP8B1-AS1 (ATP8B1 antisense RNA 1; plus strand). Cytogenetic location: 18q21.31.
Variant type: single nucleotide variant.
Coding change: c.2999T>C on transcript NM_001374385.1 (MANE Select); coding-DNA position 2999, T replaced by C.
Protein change: p.Met1000Thr; replaces methionine 1000 with threonine.
Molecular consequence: missense variant.
Genome position (GRCh38, 1-based): chr18:57,654,008, A>G on the plus strand (T>C on the coding strand, the complement: ATP8B1 is on the minus strand). VCF-style: chr18-57654008-A-G. GRCh37 (hg19) VCF-style: chr18-55321240-A-G.
Other names: c.2849T>C, p.Met950Thr (NM_001374386.1); c.2999T>C, p.Met1000Thr (NM_005603.6); short protein forms M950T, M1000T.
Identifiers: ClinVar variation 4997218 (VCV004997218.1).

ClinVar aggregate classification (germline): Uncertain significance (1 of 4 stars; one submission).

Conditions:
ATP8B1-related disorder. Also called: ATP8B1-related disorders; ATP8B1-related condition.

Submission:

PreventionGenetics, part of Exact Sciences
Classification: Uncertain significance for ATP8B1-related condition. Last evaluated: 2026-03-09. Review status: criteria provided, single submitter. Criteria: ACMG Guidelines, 2015. Collection method: clinical testing. Allele origin: germline.
Comment: The ATP8B1 c.2999T>C variant is predicted to result in the amino acid substitution p.Met1000Thr. To our knowledge, this variant has not been reported in the literature. This variant is reported in 0.0054% of alleles in individuals of East Asian descent in gnomAD. At this time, the clinical significance of this variant is uncertain due to the absence of conclusive functional and genetic evidence.